The following is an entry in ClinVar:

NM_080860.4(RSPH1):c.393G>A (p.Ala131=)

Gene: RSPH1 (radial spoke head component 1; minus strand). Cytogenetic location: 21q22.3.
Variant type: single nucleotide variant.
Coding change: c.393G>A on transcript NM_080860.4 (MANE Select); coding-DNA position 393, G replaced by A.
Protein change: p.Ala131=; no amino-acid change (alanine 131 retained).
Molecular consequence: synonymous variant.
Genome position (GRCh38, 1-based): chr21:42,485,777, C>T on the plus strand (G>A on the coding strand, the complement: RSPH1 is on the minus strand). VCF-style: chr21-42485777-C-T. GRCh37 (hg19) VCF-style: chr21-43905887-C-T.
Other names: p.Ala131=; c.279G>A, p.Ala93= (NM_001286506.2).
Identifiers: ClinVar variation 227050 (VCV000227050.20), dbSNP rs2839536, ClinGen allele CA10043947.
Genomic context (GRCh38, chr21:42,485,777, plus strand): 5'-CTCGGCCGTGCCCTCCTGCTGTCCGTTCACCCAGGTGCCAACATACTTACTGCCCGTCTC[C>T]GCGTATAAATAGGTGCCTTGCCCATGCCTGGTTAAGACAAGGGGAACATGGTATTTCGTT-3'
Protein context (NP_543136.1, residues 121-141): QRHGQGTYLY[Ala131=]ETGSKYVGTW

ClinVar aggregate classification (germline): Benign/Likely benign. Review status: criteria provided, multiple submitters, no conflicts (2 of 4 stars). 7 submissions from 7 submitters: Benign (6); Likely benign (1). Last evaluated 2026-02-04.

Conditions:
Primary ciliary dyskinesia 24 (CILD24). Also called: CILIARY DYSKINESIA, PRIMARY, 24, WITHOUT SITUS INVERSUS. Identifiers: Orphanet 244, MedGen C3809634, MONDO:0014202, OMIM 615481.
Primary ciliary dyskinesia. Also called: Ciliary dyskinesia. Identifiers: Orphanet 244, MedGen C0008780, MONDO:0016575, HP:0012265.

Allele frequency attached by ClinVar (database versions not stated): 1000 Genomes Project 0.27935; 1000 Genomes Project 30x 0.28342; ESP Exome Variant Server 0.30793; gnomAD 0.32419 and 0.32438; TOPMed 0.33042; ExAC 0.36262; gnomAD exomes 0.38186 and 0.38986.

Submissions (7):

Labcorp Genetics (formerly Invitae), Labcorp
Classification: Benign for Primary ciliary dyskinesia. Last evaluated: 2026-02-04. Review status: criteria provided, single submitter. Criteria: Invitae Variant Classification Sherloc (09022015). Collection method: clinical testing. Allele origin: germline.

Blueprint Genetics
Classification: Likely benign. Last evaluated: 2024-11-28. Review status: criteria provided, single submitter. Criteria: ACMG Guidelines, 2015. Collection method: clinical testing. Allele origin: germline.

Mayo Clinic Laboratories, Mayo Clinic
Classification: Benign. Last evaluated: 2022-04-26. Review status: criteria provided, single submitter. Criteria: ACMG Guidelines, 2015. Collection method: clinical testing. Allele origin: germline. Observed: 118 variant alleles.

Genome-Nilou Lab
Classification: Benign for Primary ciliary dyskinesia 24. Last evaluated: 2021-11-07. Review status: criteria provided, single submitter. Criteria: ACMG Guidelines, 2015. Collection method: clinical testing. Allele origin: germline. Affected: no.

GeneDx
Classification: Benign. Last evaluated: 2018-11-12. Review status: criteria provided, single submitter. Criteria: GeneDx Variant Classification Process June 2021. Collection method: clinical testing. Allele origin: germline. Affected: yes.

Laboratory for Molecular Medicine, Mass General Brigham Personalized Medicine
Classification: Benign. Last evaluated: 2014-11-24. Review status: criteria provided, single submitter. Criteria: LMM Criteria. Collection method: clinical testing. Allele origin: germline. Observed: 43 variant alleles.
Comment: Ala131Ala in exon 5 of RSPH1: This variant is not expected to have clinical sign ificance because it does not alter an amino acid residue and is not located with in the splice consensus sequence. It has been identified in 39.3% (3379/8600) of European American chromosomes from a broad population by the NHLBI Exome Sequen cing Project (dbSNP rs2839536).

Breakthrough Genomics
Classification: Benign. Review status: criteria provided, single submitter. Criteria: ACMG Guidelines, 2015. Collection method: not provided. Allele origin: germline. Inheritance: Autosomal recessive inheritance. Affected: yes.